The following is an entry in ClinVar:

NM_005219.5(DIAPH1):c.2698G>C (p.Glu900Gln)

Gene: DIAPH1 (diaphanous related formin 1; minus strand). Cytogenetic location: 5q31.3.
Variant type: single nucleotide variant.
Coding change: c.2698G>C on transcript NM_005219.5 (MANE Select); coding-DNA position 2698, G replaced by C.
Protein change: p.Glu900Gln; replaces glutamic acid 900 with glutamine.
Molecular consequence: missense variant.
Genome position (GRCh38, 1-based): chr5:141,529,252, C>G on the plus strand (G>C on the coding strand, the complement: DIAPH1 is on the minus strand). VCF-style: chr5-141529252-C-G. GRCh37 (hg19) VCF-style: chr5-140908819-C-G.
Other names: c.2671G>C, p.Glu891Gln (NM_001079812.3); c.2698G>C, p.Glu900Gln (NM_001314007.2); short protein forms E900Q, E891Q.
Identifiers: ClinVar variation 2921652 (VCV002921652.3), dbSNP rs2513626689, ClinGen allele CA361586025.

ClinVar aggregate classification (germline): Uncertain significance (1 of 4 stars; one submission).

Conditions:
Autosomal dominant nonsyndromic hearing loss 1. Also called: KONIGSMARK SYNDROME; DEAFNESS, AUTOSOMAL DOMINANT 1, WITH OR WITHOUT THROMBOCYTOPENIA. Identifiers: Orphanet 90635, MedGen C1852282, MONDO:0007424, OMIM 124900.
Progressive microcephaly-seizures-cortical blindness-developmental delay syndrome. Also called: Seizures, cortical blindness, and microcephaly syndrome. Identifiers: Orphanet 477814, MedGen C5567650, MONDO:0014714, OMIM 616632.

Submission:

Labcorp Genetics (formerly Invitae), Labcorp
Classification: Uncertain significance for Progressive microcephaly-seizures-cortical blindness-developmental delay syndrome; Autosomal dominant nonsyndromic hearing loss 1. Last evaluated: 2024-01-09. Review status: criteria provided, single submitter. Criteria: Invitae Variant Classification Sherloc (09022015). Collection method: clinical testing. Allele origin: germline.
Comment: This sequence change replaces glutamic acid, which is acidic and polar, with glutamine, which is neutral and polar, at codon 900 of the DIAPH1 protein (p.Glu900Gln). This variant is not present in population databases (gnomAD no frequency). This variant has not been reported in the literature in individuals affected with DIAPH1-related conditions. An algorithm developed to predict the effect of missense changes on protein structure and function (PolyPhen-2) suggests that this variant is likely to be disruptive. In summary, the available evidence is currently insufficient to determine the role of this variant in disease. Therefore, it has been classified as a Variant of Uncertain Significance.